The following is an entry in ClinVar:

ClinVar aggregate classification (germline): Likely benign (1 of 4 stars; one submission).

Conditions:
BRCA1-related cancer predisposition. Identifiers: MedGen CN377757, MONDO:0700268.

Allele frequency attached by ClinVar (database versions not stated): TOPMed 0.00001.
gnomAD v4.1: 1 of 1,595,510 alleles (0.000063%); no homozygotes.

Submission:

All of Us Research Program, National Institutes of Health
Classification: Likely benign for BRCA1-related cancer predisposition. Last evaluated: 2024-04-25. Review status: criteria provided, single submitter. Criteria: ACMG Guidelines, 2015. Collection method: clinical testing. Allele origin: germline. Inheritance: Autosomal dominant inheritance. Observed: 2 variant alleles, 2 heterozygotes.
Comment: This study involves interpretation of variants in research participants for the purpose of population health screening. Participant phenotype was not available at the time of variant classification. Additional details can be found in publication PMID: 35346344, PMCID: PMC8962531

NM_007294.4(BRCA1):c.5333-30A>G

Gene: BRCA1 (BRCA1 DNA repair associated; minus strand). Cytogenetic location: 17q21.31.
Variant type: single nucleotide variant.
Coding change: c.5333-30A>G on transcript NM_007294.4 (MANE Select); 30 bases into the intron before coding-DNA position 5333, A replaced by G.
Molecular consequence: intron variant.
Genome position (GRCh38, 1-based): chr17:43,049,224, T>C on the plus strand (A>G on the coding strand, the complement: BRCA1 is on the minus strand). VCF-style: chr17-43049224-T-C. GRCh37 (hg19) VCF-style: chr17-41201241-T-C.
Other names: c.1880-30A>G (NM_001408458.1, NM_001408461.1, NM_001408464.1 and 7 more transcripts); c.4442-30A>G (NM_001407967.1); c.4952-30A>G (NM_001407959.1); c.5066-30A>G (NM_001407931.1, NM_001407932.1, NM_001407928.1 and 4 more transcripts); c.5189-30A>G (NM_001407747.1, NM_001407745.1, NM_001407737.1 and 18 more transcripts); c.4949-30A>G (NM_001407962.1, NM_001407960.1); c.1520-30A>G (NM_001408512.1); c.1643-30A>G (NM_001408510.1); and 84 more.
Identifiers: ClinVar variation 3070131 (VCV003070131.2), dbSNP rs1016774811, ClinGen allele CA290818231.